The following is an entry in ClinVar:

ClinVar aggregate classification (germline): Likely pathogenic (1 of 4 stars; one submission).

Submission:

GeneDx
Classification: Likely pathogenic. Last evaluated: 2022-05-26. Review status: criteria provided, single submitter. Criteria: GeneDx Variant Classification Process June 2021. Collection method: clinical testing. Allele origin: germline. Affected: yes.
Comment: Not observed at significant frequency in large population cohorts (gnomAD); In silico analysis supports that this missense variant has a deleterious effect on protein structure/function; Has not been previously published as pathogenic or benign to our knowledge

NM_001348716.2(KDM6B):c.4300A>C (p.Thr1434Pro)

Genes: KDM6B (lysine demethylase 6B; plus strand), LOC121587574 (Sharpr-MPRA regulatory region 3930; plus strand). Cytogenetic location: 17p13.1.
Variant type: single nucleotide variant.
Coding change: c.4300A>C on transcript NM_001348716.2 (MANE Select); coding-DNA position 4300, A replaced by C.
Protein change: p.Thr1434Pro; replaces threonine 1434 with proline.
Molecular consequence: missense variant.
Genome position (GRCh38, 1-based): chr17:7,852,168, A>C. VCF-style: chr17-7852168-A-C. GRCh37 (hg19) VCF-style: chr17-7755486-A-C.
Other names: c.4300A>C, p.Thr1434Pro (NM_001080424.2); short protein forms T1434P.
Identifiers: ClinVar variation 1800868 (VCV001800868.1), dbSNP rs2544534181, ClinGen allele CA397927457.